The following is an entry in ClinVar:

NM_001378457.1(DMXL2):c.2099A>G (p.Lys700Arg)

Gene: DMXL2 (Dmx like 2; minus strand). Cytogenetic location: 15q21.2.
Variant type: single nucleotide variant.
Coding change: c.2099A>G on transcript NM_001378457.1 (MANE Select); coding-DNA position 2099, A replaced by G.
Protein change: p.Lys700Arg; replaces lysine 700 with arginine.
Molecular consequence: missense variant. On other transcripts: non-coding transcript variant (2).
Genome position (GRCh38, 1-based): chr15:51,536,381, T>C on the plus strand (A>G on the coding strand, the complement: DMXL2 is on the minus strand). VCF-style: chr15-51536381-T-C. GRCh37 (hg19) VCF-style: chr15-51828578-T-C.
Other names: c.2099A>G, p.Lys700Arg (NM_001174116.3, NM_001174117.3, NM_001378458.1 and 6 more transcripts); c.1859A>G, p.Lys620Arg (NM_001378464.1); short protein forms K620R, K700R.
Identifiers: ClinVar variation 1373472 (VCV001373472.3), dbSNP rs763416367, ClinGen allele CA7562454.
Genomic context (GRCh38, chr15:51,536,381, plus strand): 5'-GCATTTGGGTCATGAAATGTACGAGTTGCTGCATTTCTAAGAGGTTGTTTCGAGGAACCT[T>C]TTATATGTTTTACAGGGTCCATTAATCTACTTAATTTATTGTCTGAGTCCCACTGACAAT-3'
Protein context (NP_001365386.1, residues 690-710): SRLMDPVKHI[Lys700Arg]GSSKQPLRNA

ClinVar aggregate classification (germline): Uncertain significance (1 of 4 stars; one submission).

Allele frequency attached by ClinVar (database versions not stated): gnomAD exomes below 0.00001; gnomAD 0.00001; ExAC 0.00002; TOPMed 0.00002.
gnomAD v4.1: 2 of 1,613,462 alleles (0.00012%); highest among the groups gnomAD compares: African/African-American, 0.0027%; no homozygotes.

Submission:

Labcorp Genetics (formerly Invitae), Labcorp
Classification: Uncertain significance. Last evaluated: 2021-11-24. Review status: criteria provided, single submitter. Criteria: Invitae Variant Classification Sherloc (09022015). Collection method: clinical testing. Allele origin: germline.
Comment: This sequence change replaces lysine, which is basic and polar, with arginine, which is basic and polar, at codon 700 of the DMXL2 protein (p.Lys700Arg). This variant is present in population databases (rs763416367, gnomAD 0.007%). This variant has not been reported in the literature in individuals affected with DMXL2-related conditions. Algorithms developed to predict the effect of missense changes on protein structure and function (SIFT, PolyPhen-2, Align-GVGD) all suggest that this variant is likely to be tolerated. In summary, the available evidence is currently insufficient to determine the role of this variant in disease. Therefore, it has been classified as a Variant of Uncertain Significance.